The following is an entry in ClinVar:

ClinVar aggregate classification (germline): Likely pathogenic (1 of 4 stars; one submission).

Conditions:
Bloom syndrome (BLM). Also called: Bloom-Torre-Machacek syndrome. Identifiers: Orphanet 125, MedGen C0005859, MONDO:0008876, OMIM 210900.

Submission:

Natera, Inc.
Classification: Likely pathogenic for Bloom syndrome. Last evaluated: 2024-03-11. Review status: criteria provided, single submitter. Criteria: Natera Variant Classification Schema (03/2026). Collection method: clinical testing. Allele origin: germline.
Comment: The c.3751+1G>T variant in BLM is a canonical splice donor site variant predicted to affect pre-mRNA splicing, which may result in an abnormal transcript and altered protein product. This variant is expected to result in nonsense mediated decay, truncation, or a dysfunctional protein product. This variant is rare in the general population with a frequency below the threshold expected for the associated phenotype(s). Given the available evidence, this variant is classified as Likely Pathogenic.

NM_000057.4(BLM):c.3751+1G>T

Gene: BLM (BLM RecQ like helicase; plus strand). Cytogenetic location: 15q26.1.
Variant type: single nucleotide variant.
Coding change: c.3751+1G>T on transcript NM_000057.4 (MANE Select); the canonical splice donor site of the intron after coding-DNA position 3751, G replaced by T.
Molecular consequence: splice donor variant. On other transcripts: intron variant (1).
Genome position (GRCh38, 1-based): chr15:90,804,360, G>T. VCF-style: chr15-90804360-G-T. GRCh37 (hg19) VCF-style: chr15-91347590-G-T.
Other names: c.3751+1G>T (NM_001287246.2); c.2626+1G>T (NM_001287248.2); c.3359-4777G>T (NM_001287247.2).
Identifiers: ClinVar variation 4815886 (VCV004815886.1).